The following is an entry in ClinVar:

ClinVar aggregate classification (germline): Likely benign. Review status: criteria provided, multiple submitters, no conflicts (2 of 4 stars). 2 submissions from 2 submitters: Likely benign (2). Last evaluated 2025-12-13.

Conditions:
Long QT syndrome (LQTS). Identifiers: MedGen C0023976, MeSH D008133, MONDO:0002442. Disease mechanism: loss of function. Inheritance: Various modes of inheritance.

Allele frequency attached by ClinVar (database versions not stated): gnomAD 0.00001; TOPMed 0.00001.

Submissions (2):

Labcorp Genetics (formerly Invitae), Labcorp
Classification: Likely benign for Long QT syndrome. Last evaluated: 2025-12-13. Review status: criteria provided, single submitter. Criteria: Invitae Variant Classification Sherloc (09022015). Collection method: clinical testing. Allele origin: germline.

Laboratory for Molecular Medicine, Mass General Brigham Personalized Medicine
Classification: Likely benign. Last evaluated: 2018-04-10. Review status: criteria provided, single submitter. Criteria: LMM Criteria. Collection method: clinical testing. Allele origin: germline. Observed: 1 variant allele.
Comment: p.Pro64Pro in exon 1 of KCNQ1: This variant is classified as likely benign becau se it does not alter an amino acid residue and splice prediction algorithms do n ot predict disruption of an existing splice site or creation of a new splice sit e. Data from large population studies is insufficient to assess the frequency of this variant. ACMG/AMP Criteria applied: BP4; BP7.

NM_000218.3(KCNQ1):c.192T>C (p.Pro64=)

Gene: KCNQ1 (potassium voltage-gated channel subfamily Q member 1; plus strand). Cytogenetic location: 11p15.5.
Variant type: single nucleotide variant.
Coding change: c.192T>C on transcript NM_000218.3 (MANE Select); coding-DNA position 192, T replaced by C.
Protein change: p.Pro64=; no amino-acid change (proline 64 retained).
Molecular consequence: synonymous variant.
Genome position (GRCh38, 1-based): chr11:2,445,290, T>C. VCF-style: chr11-2445290-T-C. GRCh37 (hg19) VCF-style: chr11-2466520-T-C.
Identifiers: ClinVar variation 666706 (VCV000666706.15), dbSNP rs1360376744, ClinGen allele CA472416148.